The following is an entry in ClinVar:

NM_021096.4(CACNA1I):c.4396C>T (p.Arg1466Trp)

Gene: CACNA1I (calcium voltage-gated channel subunit alpha1 I; plus strand). Cytogenetic location: 22q13.1.
Variant type: single nucleotide variant.
Coding change: c.4396C>T on transcript NM_021096.4 (MANE Select); coding-DNA position 4396, C replaced by T.
Protein change: p.Arg1466Trp; replaces arginine 1466 with tryptophan.
Molecular consequence: missense variant.
Genome position (GRCh38, 1-based): chr22:39,670,811, C>T. VCF-style: chr22-39670811-C-T. GRCh37 (hg19) VCF-style: chr22-40066816-C-T.
Other names: c.4291C>T, p.Arg1431Trp (NM_001003406.2); c.4396C>T (NM_021096.3); short protein forms R1431W, R1466W.
Identifiers: ClinVar variation 3384998 (VCV003384998.2).

ClinVar aggregate classification (germline): Uncertain significance. Review status: criteria provided, multiple submitters, no conflicts (2 of 4 stars). 2 submissions from 2 submitters: Uncertain significance (2). Last evaluated 2025-05-15.

gnomAD v4.1: 13 of 1,613,732 alleles (0.00081%); highest among the groups gnomAD compares: East Asian, 0.0022%; no homozygotes.

Submissions (2):

Ambry Genetics
Classification: Uncertain significance. Last evaluated: 2025-05-15. Review status: criteria provided, single submitter. Criteria: Ambry Variant Classification Scheme 2023. Collection method: clinical testing. Allele origin: germline.

Women's Health and Genetics/Laboratory Corporation of America, LabCorp
Classification: Uncertain significance. Last evaluated: 2024-10-02. Review status: criteria provided, single submitter. Criteria: LabCorp Variant Classification Summary - May 2015. Collection method: clinical testing. Allele origin: germline.
Comment: Variant summary: CACNA1I c.4396C>T (p.Arg1466Trp) results in a non-conservative amino acid change in the encoded protein sequence. Three of five in-silico tools predict a damaging effect of the variant on protein function. The variant allele was found at a frequency of 1.2e-05 in 249190 control chromosomes. The available data on variant occurrences in the general population are insufficient to allow any conclusion about variant significance. To our knowledge, no occurrence of c.4396C>T in individuals affected with Neurodevelopmental Disorder With Speech Impairment And With Or Without Seizures and no experimental evidence demonstrating its impact on protein function have been reported. No submitters have cited clinical-significance assessments for this variant to ClinVar. Based on the evidence outlined above, the variant was classified as uncertain significance.